The following is an entry in ClinVar:

NM_152564.5(VPS13B):c.1394del (p.Asp465fs)

Gene: VPS13B (vacuolar protein sorting 13 homolog B; plus strand). Cytogenetic location: 8q22.2.
Variant type: Deletion.
Coding change: c.1394del on transcript NM_152564.5 (MANE Select); coding-DNA position 1394, one base deleted (A; older notation c.1394delA).
Protein change: p.Asp465fs; shifts the reading frame from aspartic acid 465.
Molecular consequence: frameshift variant.
Genome position (GRCh38, 1-based): chr8:99,135,106, A deleted. VCF-style (leftmost placement, unchanged base first): chr8-99135105-GA-G. GRCh37 (hg19) VCF-style: chr8-100147333-GA-G.
Other names: c.1394del, p.Asp465fs (NM_015243.3, NM_017890.5); short protein forms D465fs.
Identifiers: ClinVar variation 4845302 (VCV004845302.1).

ClinVar aggregate classification (germline): Pathogenic (1 of 4 stars; one submission).

Conditions:
Fetal anomalies with a likely genetic cause.

Submission:

Genetics Laboratory, Great Ormond Street Hospital NHS Foundation Trust, North Thames Genomic Laboratory Hub
Classification: Pathogenic for Fetal anomalies with a likely genetic cause. Last evaluated: 2026-02-26. Review status: criteria provided, single submitter. Criteria: ACGS Best Practice Guidelines for Variant Classification in Rare Disease 2024 v1.2. Collection method: clinical testing. Allele origin: germline. Affected: yes.
Comment: PM2_moderate, PVS1_very-strong